The following is an entry in ClinVar:

NM_014000.3(VCL):c.2434+5G>C

Gene: VCL (vinculin; plus strand). Cytogenetic location: 10q22.2.
Variant type: single nucleotide variant.
Coding change: c.2434+5G>C on transcript NM_014000.3 (MANE Select); 5 bases into the intron after coding-DNA position 2434, G replaced by C.
Molecular consequence: intron variant.
Genome position (GRCh38, 1-based): chr10:74,105,358, G>C. VCF-style: chr10-74105358-G-C. GRCh37 (hg19) VCF-style: chr10-75865116-G-C.
Other names: c.2434+5G>C (NM_003373.4).
Identifiers: ClinVar variation 1305690 (VCV001305690.2), dbSNP rs1459081905, ClinGen allele CA2573053299.
Genomic context (GRCh38, chr10:74,105,358, plus strand): 5'-CATCTCCCCGATGGTGATGGATGCAAAAGCTGTGGCTGGAAACATTTCCGACCCTGGTAA[G>C]CAATGCATGGCACTATGTCTCACCTCCACTGAGAGGTTAACTCAGGAAAGGTCGTGAGGG-3'

ClinVar aggregate classification (germline): Uncertain significance (1 of 4 stars; one submission).

Submission:

GeneDx
Classification: Uncertain significance. Last evaluated: 2019-05-07. Review status: criteria provided, single submitter. Criteria: GeneDx Variant Classification Process June 2021. Collection method: clinical testing. Allele origin: germline. Affected: yes.
Comment: Has not been previously published as pathogenic or benign to our knowledge; Not observed in large population cohorts (Lek et al., 2016); In-silico analysis, which includes splice predictors and evolutionary conservation, is inconclusive as to whether the variant alters gene splicing. In the absence of RNA/functional studies, the actual effect of this sequence change is unknown.